The following is an entry in ClinVar:

ClinVar aggregate classification (germline): Uncertain significance (1 of 4 stars; one submission).

Conditions:
Donnai-Barrow syndrome. Also called: DBS/FOAR SYNDROME; FACIOOCULOACOUSTICORENAL SYNDROME. Identifiers: Orphanet 2143, MedGen C1857277, MONDO:0009104, OMIM 222448.

Submission:

Myriad Genetics, Inc.
Classification: Uncertain significance for Donnai-Barrow syndrome. Last evaluated: 2025-11-07. Review status: criteria provided, single submitter. Criteria: Myriad Autosomal Dominant, Autosomal Recessive and X-Linked Classification Criteria (2023). Collection method: clinical testing. Allele origin: unknown.
Comment: NM_004525.2(LRP2):c.7829_7831delTGT(L2610del) is an in-frame deletion classified as a variant of uncertain significance in the context of Donnai-Barrow syndrome. L2610del has not been observed in cases with relevant disease. Relevant functional assessments of this variant are not available in the literature. L2610del has not been observed in referenced population frequency databases. In summary, there is insufficient evidence to classify NM_004525.2(LRP2):c.7829_7831delTGT(L2610del) as pathogenic or benign. Please note: this variant was assessed in the context of healthy population screening.

NM_004525.3(LRP2):c.7829_7831del (p.Leu2610del)

Gene: LRP2 (LDL receptor related protein 2; minus strand). Cytogenetic location: 2q31.1.
Variant type: Deletion.
Coding change: c.7829_7831del on transcript NM_004525.3 (MANE Select); coding-DNA positions 7829 to 7831, 3 bases deleted (TGT; older notation c.7829_7831delTGT).
Protein change: p.Leu2610del; deletes leucine 2610.
Molecular consequence: inframe deletion.
Genome position (GRCh38, 1-based): chr2:169,204,156-169,204,158, ACA deleted on the plus strand (TGT on the coding strand, the reverse complement: LRP2 is on the minus strand); deleting any 3 consecutive bases within chr2:169,204,156-169,204,159 gives the same sequence; the c. name uses the placement nearest the transcript's 3' end. VCF-style (leftmost placement, unchanged base first): chr2-169204155-TACA-T. GRCh37 (hg19) VCF-style: chr2-170060665-TACA-T.
Other names: short protein forms L2610del.
Identifiers: ClinVar variation 5004263 (VCV005004263.1).